The following is an entry in ClinVar:

NM_000553.6(WRN):c.2159T>A (p.Leu720Gln)

Gene: WRN (WRN RecQ like helicase; plus strand). Cytogenetic location: 8p12.
Variant type: single nucleotide variant.
Coding change: c.2159T>A on transcript NM_000553.6 (MANE Select); coding-DNA position 2159, T replaced by A.
Protein change: p.Leu720Gln; replaces leucine 720 with glutamine.
Molecular consequence: missense variant.
Genome position (GRCh38, 1-based): chr8:31,111,685, T>A. VCF-style: chr8-31111685-T-A. GRCh37 (hg19) VCF-style: chr8-30969201-T-A.
Other names: short protein forms L720Q.
Identifiers: ClinVar variation 1347208 (VCV001347208.6), dbSNP rs1801323239, ClinGen allele CA370912614.
Genomic context (GRCh38, chr8:31,111,685, plus strand): 5'-TTGCACTTACTGCTACTGCAAGTTCTTCAATCCGGGAAGACATTGTACGTTGCTTAAATC[T>A]GAGAAATCCTCAGATCACCTGTACTGGTTTTGATCGACCAAACCTGTATTTAGAAGTTAG-3'
Protein context (NP_000544.2, residues 710-730): IREDIVRCLN[Leu720Gln]RNPQITCTGF

ClinVar aggregate classification (germline): Uncertain significance (1 of 4 stars; one submission).

Conditions:
Werner syndrome (WRN). Identifiers: Orphanet 902, MedGen C0043119, MONDO:0010196, OMIM 277700.

Submission:

Labcorp Genetics (formerly Invitae), Labcorp
Classification: Uncertain significance for Werner syndrome. Last evaluated: 2022-05-09. Review status: criteria provided, single submitter. Criteria: Invitae Variant Classification Sherloc (09022015). Collection method: clinical testing. Allele origin: germline.
Comment: In summary, the available evidence is currently insufficient to determine the role of this variant in disease. Therefore, it has been classified as a Variant of Uncertain Significance. RNA analysis performed to evaluate the impact of this missense change on mRNA splicing indicates it does not significantly alter splicing (Invitae). Algorithms developed to predict the effect of missense changes on protein structure and function are either unavailable or do not agree on the potential impact of this missense change (SIFT: "Not Available"; PolyPhen-2: "Probably Damaging"; Align-GVGD: "Not Available"). This variant has not been reported in the literature in individuals affected with WRN-related conditions. This variant is not present in population databases (gnomAD no frequency). This sequence change replaces leucine, which is neutral and non-polar, with glutamine, which is neutral and polar, at codon 720 of the WRN protein (p.Leu720Gln).